The following is an entry in ClinVar:

ClinVar aggregate classification (germline): Conflicting classifications of pathogenicity. Review status: criteria provided, conflicting classifications (1 of 4 stars). 2 submissions from 2 submitters: Uncertain significance (1); Likely benign (1). Last evaluated 2026-07-20.

Conditions:
Hereditary cancer-predisposing syndrome. Also called: Hereditary neoplastic syndrome; Hereditary Cancer Syndrome; Neoplastic Syndromes, Hereditary; Tumor predisposition. Identifiers: Orphanet 140162, MedGen C0027672, MeSH D009386, MONDO:0015356.
Hereditary nonpolyposis colorectal neoplasms. Identifiers: MedGen C0009405, MeSH D003123.

Submissions (2):

Ambry Genetics
Classification: Likely benign for Hereditary cancer-predisposing syndrome. Last evaluated: 2026-07-20. Review status: criteria provided, single submitter. Criteria: Ambry Variant Classification Scheme 2023. Collection method: clinical testing. Allele origin: germline.

Labcorp Genetics (formerly Invitae), Labcorp
Classification: Uncertain significance for Hereditary nonpolyposis colorectal neoplasms. Last evaluated: 2024-01-21. Review status: criteria provided, single submitter. Criteria: Invitae Variant Classification Sherloc (09022015). Collection method: clinical testing. Allele origin: germline.
Comment: This sequence change replaces serine, which is neutral and polar, with asparagine, which is neutral and polar, at codon 18 of the MSH6 protein (p.Ser18Asn). This variant is not present in population databases (gnomAD no frequency). This variant has not been reported in the literature in individuals affected with MSH6-related conditions. Advanced modeling of protein sequence and biophysical properties (such as structural, functional, and spatial information, amino acid conservation, physicochemical variation, residue mobility, and thermodynamic stability) performed at Invitae indicates that this missense variant is not expected to disrupt MSH6 protein function with a negative predictive value of 95%. In summary, the available evidence is currently insufficient to determine the role of this variant in disease. Therefore, it has been classified as a Variant of Uncertain Significance.

NM_000179.3(MSH6):c.53G>A (p.Ser18Asn)

Gene: MSH6 (mutS homolog 6; plus strand). Cytogenetic location: 2p16.3.
Variant type: single nucleotide variant.
Coding change: c.53G>A on transcript NM_000179.3 (MANE Select); coding-DNA position 53, G replaced by A.
Protein change: p.Ser18Asn; replaces serine 18 with asparagine.
Molecular consequence: missense variant. On other transcripts: 5 prime UTR variant (8), non-coding transcript variant (5), intron variant (5).
Genome position (GRCh38, 1-based): chr2:47,783,286, G>A. VCF-style: chr2-47783286-G-A. GRCh37 (hg19) VCF-style: chr2-48010425-G-A.
Other names: c.53G>A, p.Ser18Asn (NM_001281492.2, NM_001406795.1, NM_001406796.1 and 9 more transcripts); c.-684G>A (NM_001281493.2, NM_001406811.1); c.-276G>A (NM_001406799.1); c.-3G>A (NM_001406804.1); c.-876G>A (NM_001406807.1); c.-531G>A (NM_001406812.1); c.-942G>A (NM_001406814.1); c.-487G>A (NM_001406816.1); and 3 more; short protein forms S18N.
Identifiers: ClinVar variation 2710596 (VCV002710596.4), dbSNP rs765459817, ClinGen allele CA346734552.
Genomic context (GRCh38, chr2:47,783,286, plus strand): 5'-CTGTCGGTATGTCGCGACAGAGCACCCTGTACAGCTTCTTCCCCAAGTCTCCGGCGCTGA[G>A]TGATGCCAACAAGGCCTCGGCCAGGGCCTCACGCGAAGGCGGCCGTGCCGCCGCTGCCCC-3'
Protein context (NP_000170.1, residues 8-28): YSFFPKSPAL[Ser18Asn]DANKASARAS